The following is an entry in ClinVar:

NM_014141.6(CNTNAP2):c.-35G>T

Gene: CNTNAP2 (contactin associated protein 2; plus strand). Cytogenetic location: 7q35.
Variant type: single nucleotide variant.
Coding change: c.-35G>T on transcript NM_014141.6 (MANE Select); 35 bases upstream of the start codon, G replaced by T.
Molecular consequence: 5 prime UTR variant.
Genome position (GRCh38, 1-based): chr7:146,116,842, G>T. VCF-style: chr7-146116842-G-T. GRCh37 (hg19) VCF-style: chr7-145813934-G-T.
Identifiers: ClinVar variation 379094 (VCV000379094.1), dbSNP rs191830389, ClinGen allele CA16605247.

ClinVar aggregate classification (germline): Likely benign (1 of 4 stars; one submission).

Allele frequency attached by ClinVar (database versions not stated): TOPMed below 0.00001; gnomAD exomes 0.00001; gnomAD 0.00002 and 0.00003; 1000 Genomes Project 30x 0.00016; 1000 Genomes Project 0.00020.
gnomAD v4.1: 15 of 1,515,220 alleles (0.00099%); highest among the groups gnomAD compares: Admixed American, 0.03%; 1 homozygote.

Submission:

GeneDx
Classification: Likely benign. Last evaluated: 2016-05-25. Review status: criteria provided, single submitter. Criteria: GeneDx Variant Classification (06012015). Collection method: clinical testing. Allele origin: germline. Affected: yes.
Comment: This variant is considered likely benign or benign based on one or more of the following criteria: it is a conservative change, it occurs at a poorly conserved position in the protein, it is predicted to be benign by multiple in silico algorithms, and/or has population frequency not consistent with disease.